The following is an entry in ClinVar:

NM_004817.4(TJP2):c.1922A>G (p.Lys641Arg)

Gene: TJP2 (tight junction protein 2; plus strand). Cytogenetic location: 9q21.11.
Variant type: single nucleotide variant.
Coding change: c.1922A>G on transcript NM_004817.4 (MANE Select); coding-DNA position 1922, A replaced by G.
Protein change: p.Lys641Arg; replaces lysine 641 with arginine.
Molecular consequence: missense variant.
Genome position (GRCh38, 1-based): chr9:69,236,169, A>G. VCF-style: chr9-69236169-A-G. GRCh37 (hg19) VCF-style: chr9-71851085-A-G.
Other names: c.1853A>G, p.Lys618Arg (NM_001170414.2, NM_001369871.1); c.1934A>G, p.Lys645Arg (NM_001170415.1, NM_001369874.1, NM_001369875.1); c.2015A>G, p.Lys672Arg (NM_001170416.2); c.1847A>G, p.Lys616Arg (NM_001369870.1); c.1922A>G, p.Lys641Arg (NM_001369872.1, NM_001369873.1, NM_201629.3); short protein forms K616R, K618R, K641R, K645R, K672R.
Identifiers: ClinVar variation 4852267 (VCV004852267.1).
Genomic context (GRCh38, chr9:69,236,169, plus strand): 5'-AGAGCCTGGCCTTCACCAGAGGGGAGGTCTTCCGAGTGGTAGACACACTGTATGACGGCA[A>G]GCTGGGCAACTGGCTGGCTGTGAGGATTGGGAACGAGTTGGAGAAAGGCTTAATCCCCAA-3'
Protein context (NP_004808.2, residues 631-651): FRVVDTLYDG[Lys641Arg]LGNWLAVRIG

ClinVar aggregate classification (germline): Likely benign (1 of 4 stars; one submission).

Conditions:
Cholestasis, progressive familial intrahepatic, 4. Identifiers: Orphanet 480483, Orphanet 79304, MedGen C2931067, MONDO:0014381, OMIM 615878.

gnomAD v4.1: 8 of 1,614,196 alleles (0.0005%); highest among the groups gnomAD compares: South Asian, 0.0055%; no homozygotes.

Submission:

Centre for Medical Genetics,  Mumbai
Classification: Likely benign for Cholestasis, progressive familial intrahepatic, 4. Last evaluated: 2026-04-27. Review status: criteria provided, single submitter. Criteria: ACMG Guidelines, 2015. Collection method: provider interpretation. Allele origin: germline. Inheritance: Autosomal recessive inheritance. Affected: no. Observed: 1 variant allele, 1 homozygote.
Comment: The variant satisfies PM2 criteria - extremely low frequency in gnomAD population databases. However, the variant satisfies BS2 criteria - present in homozygous state in an individual that clinically does not have Cholestasis, progressive familial intrahepatic 4.

Literature cited by the submitters: PubMed 24614073.